The following is an entry in ClinVar:

NM_000334.4(SCN4A):c.703+6G>A

Gene: SCN4A (sodium voltage-gated channel alpha subunit 4; minus strand). Cytogenetic location: 17q23.3.
Variant type: single nucleotide variant.
Coding change: c.703+6G>A on transcript NM_000334.4 (MANE Select); 6 bases into the intron after coding-DNA position 703, G replaced by A.
Molecular consequence: intron variant.
Genome position (GRCh38, 1-based): chr17:63,971,156, C>T on the plus strand (G>A on the coding strand, the complement: SCN4A is on the minus strand). VCF-style: chr17-63971156-C-T. GRCh37 (hg19) VCF-style: chr17-62048516-C-T.
Identifiers: ClinVar variation 255861 (VCV000255861.6), dbSNP rs748828476, ClinGen allele CA8710079.

ClinVar aggregate classification (germline): Conflicting classifications of pathogenicity. Review status: criteria provided, conflicting classifications (1 of 4 stars). 3 submissions from 3 submitters: Uncertain significance (1); Likely benign (2). Last evaluated 2025-08-18.

Conditions:
Hyperkalemic periodic paralysis. Also called: Familial hyperkalemic periodic paralysis; Gamstorp disease. Identifiers: Orphanet 682, MedGen C0238357, MONDO:0008224, OMIM 170500, HP:0007215.

Allele frequency attached by ClinVar (database versions not stated): gnomAD exomes below 0.00001 and 0.00002; gnomAD 0.00001; TOPMed 0.00002; ExAC 0.00005.
gnomAD v4.1: 8 of 1,550,352 alleles (0.00052%); highest among the groups gnomAD compares: Middle Eastern, 0.017%; no homozygotes.

Submissions (3):

Labcorp Genetics (formerly Invitae), Labcorp
Classification: Uncertain significance for Hyperkalemic periodic paralysis. Last evaluated: 2025-08-18. Review status: criteria provided, single submitter. Criteria: Invitae Variant Classification Sherloc (09022015). Collection method: clinical testing. Allele origin: germline.
Comment: This sequence change falls in intron 5 of the SCN4A gene. It does not directly change the encoded amino acid sequence of the SCN4A protein. It affects a nucleotide within the consensus splice site. The frequency data for this variant in the population databases is considered unreliable, as metrics indicate poor data quality at this position in the gnomAD database. This variant has not been reported in the literature in individuals affected with SCN4A-related conditions. ClinVar contains an entry for this variant (Variation ID: 255861). Variants that disrupt the consensus splice site are a relatively common cause of aberrant splicing (PMID: 17576681, 9536098). Algorithms developed to predict the effect of sequence changes on RNA splicing suggest that this variant is not likely to affect RNA splicing. In summary, the available evidence is currently insufficient to determine the role of this variant in disease. Therefore, it has been classified as a Variant of Uncertain Significance.

Breakthrough Genomics
Classification: Likely benign. Review status: criteria provided, single submitter. Criteria: ACMG Guidelines, 2015. Collection method: not provided. Allele origin: germline. Inheritance: Autosomal recessive inheritance. Affected: yes.

PreventionGenetics, part of Exact Sciences
Classification: Likely benign. Review status: criteria provided, single submitter. Criteria: ACMG Guidelines, 2015. Collection method: clinical testing. Allele origin: germline.

Literature cited by the submitters: PubMed 17576681 (cited by Labcorp Genetics (formerly Invitae), Labcorp); PubMed 9536098 (cited by Labcorp Genetics (formerly Invitae), Labcorp).